The following is an entry in ClinVar:

ClinVar aggregate classification (germline): Uncertain significance (1 of 4 stars; one submission).

Conditions:
Dilated cardiomyopathy 1W (CMD1W). Identifiers: Orphanet 154, MedGen C1969639, MONDO:0012667, OMIM 611407.

Submission:

Labcorp Genetics (formerly Invitae), Labcorp
Classification: Uncertain significance for Dilated cardiomyopathy 1W. Last evaluated: 2025-09-25. Review status: criteria provided, single submitter. Criteria: Invitae Variant Classification Sherloc (09022015). Collection method: clinical testing. Allele origin: germline.
Comment: This sequence change replaces isoleucine, which is neutral and non-polar, with threonine, which is neutral and polar, at codon 703 of the VCL protein (p.Ile703Thr). This variant is not present in population databases (gnomAD no frequency). This variant has not been reported in the literature in individuals affected with VCL-related conditions. An algorithm developed to predict the effect of missense changes on protein structure and function (PolyPhen-2) suggests that this variant is likely to be disruptive. In summary, the available evidence is currently insufficient to determine the role of this variant in disease. Therefore, it has been classified as a Variant of Uncertain Significance.

NM_014000.3(VCL):c.2108T>C (p.Ile703Thr)

Gene: VCL (vinculin; plus strand). Cytogenetic location: 10q22.2.
Variant type: single nucleotide variant.
Coding change: c.2108T>C on transcript NM_014000.3 (MANE Select); coding-DNA position 2108, T replaced by C.
Protein change: p.Ile703Thr; replaces isoleucine 703 with threonine.
Molecular consequence: missense variant.
Genome position (GRCh38, 1-based): chr10:74,103,905, T>C. VCF-style: chr10-74103905-T-C. GRCh37 (hg19) VCF-style: chr10-75863663-T-C.
Other names: c.2108T>C, p.Ile703Thr (NM_003373.4); short protein forms I703T.
Identifiers: ClinVar variation 4727862 (VCV004727862.1).
Genomic context (GRCh38, chr10:74,103,905, plus strand): 5'-TTAGGAACCCTGGAAATCAAGCTGCTTATGAACATTTTGAGACCATGAAGAACCAGTGGA[T>C]CGATAATGTTGAAAAAATGACAGGTAGAGTTTTCTATACAAATCTTGTTGTCTAATCCAT-3'
Protein context (NP_054706.1, residues 693-713): EHFETMKNQW[Ile703Thr]DNVEKMTGLV